The following is an entry in ClinVar:

NM_207346.3(TSEN54):c.176G>A (p.Arg59Gln)

Gene: TSEN54 (tRNA splicing endonuclease subunit 54; plus strand). Cytogenetic location: 17q25.1.
Variant type: single nucleotide variant.
Coding change: c.176G>A on transcript NM_207346.3 (MANE Select); coding-DNA position 176, G replaced by A.
Protein change: p.Arg59Gln; replaces arginine 59 with glutamine.
Molecular consequence: missense variant.
Genome position (GRCh38, 1-based): chr17:75,516,865, G>A. VCF-style: chr17-75516865-G-A. GRCh37 (hg19) VCF-style: chr17-73512946-G-A.
Other names: short protein forms R59Q.
Identifiers: ClinVar variation 287077 (VCV000287077.13), dbSNP rs886043563, ClinGen allele CA10605663.

ClinVar aggregate classification (germline): Uncertain significance. Review status: criteria provided, multiple submitters, no conflicts (2 of 4 stars). 3 submissions from 3 submitters: Uncertain significance (3). Last evaluated 2022-01-06.

Conditions:
Pontoneocerebellar hypoplasia. Also called: Non-syndromic pontocerebellar hypoplasia; Pontocerebellar hypoplasia. Identifiers: Orphanet 98523, MedGen C1261175, MONDO:0020135.

Allele frequency attached by ClinVar (database versions not stated): gnomAD exomes 0.00001; TOPMed 0.00001; gnomAD 0.00003.

Submissions (3):

Labcorp Genetics (formerly Invitae), Labcorp
Classification: Uncertain significance. Last evaluated: 2022-01-06. Review status: criteria provided, single submitter. Criteria: Invitae Variant Classification Sherloc (09022015). Collection method: clinical testing. Allele origin: germline.
Comment: This sequence change replaces arginine, which is basic and polar, with glutamine, which is neutral and polar, at codon 59 of the TSEN54 protein (p.Arg59Gln). The frequency data for this variant in the population databases is considered unreliable, as metrics indicate poor data quality at this position in the gnomAD database. This variant has not been reported in the literature in individuals affected with TSEN54-related conditions. ClinVar contains an entry for this variant (Variation ID: 287077). Algorithms developed to predict the effect of missense changes on protein structure and function are either unavailable or do not agree on the potential impact of this missense change (SIFT: "Tolerated"; PolyPhen-2: "Probably Damaging"; Align-GVGD: "Class C0"). Algorithms developed to predict the effect of sequence changes on RNA splicing suggest that this variant may create or strengthen a splice site. In summary, the available evidence is currently insufficient to determine the role of this variant in disease. Therefore, it has been classified as a Variant of Uncertain Significance.

Illumina Laboratory Services, Illumina
Classification: Uncertain significance for Pontoneocerebellar hypoplasia. Last evaluated: 2018-01-13. Review status: criteria provided, single submitter. Criteria: ICSL Variant Classification Criteria 13 December 2019. Collection method: clinical testing. Allele origin: germline.

Eurofins Ntd Llc (ga)
Classification: Uncertain significance. Last evaluated: 2016-03-25. Review status: criteria provided, single submitter. Criteria: EGL Classification Definitions 2015. Collection method: clinical testing. Allele origin: germline. Observed: 1 variant allele, 1 heterozygote.